The following is an entry in ClinVar:

NM_000059.4(BRCA2):c.6140dup (p.Tyr2047Ter)

Gene: BRCA2 (BRCA2 DNA repair associated; plus strand). Cytogenetic location: 13q13.1.
Variant type: Duplication.
Coding change: c.6140dup on transcript NM_000059.4 (MANE Select); coding-DNA position 6140, one base duplicated (A; older notation c.6140dupA).
Protein change: p.Tyr2047Ter; replaces tyrosine 2047 with a stop codon.
Molecular consequence: nonsense. On other transcripts: frameshift variant (3).
Genome position (GRCh38, 1-based): chr13:32,340,495, A duplicated. VCF-style (leftmost placement, unchanged base first): chr13-32340494-T-TA. GRCh37 (hg19) VCF-style: chr13-32914631-T-TA.
Other names: c.6140dupA (NM_000059.3); c.6140dup, p.Tyr2047Terfs (NM_001406719.1, NM_001406720.1); short protein forms Y2047*.
Identifiers: ClinVar variation 2429326 (VCV002429326.5), dbSNP rs2548532662, ClinGen allele CA2580087790.
Genomic context (GRCh38, chr13:32,340,494, plus strand): 5'-AGAGAAGAAAATACTGCTATACGTACTCCAGAACATTTAATATCCCAAAAAGGCTTTTCA[T>TA]ATAATGTGGTAAATTCATCTGCTTTCTCTGGATTTAGTACAGCAAGTGGAAAGCAAGTTT-3'

ClinVar aggregate classification (germline): Pathogenic (1 of 4 stars; one submission).

Conditions:
Hereditary breast ovarian cancer syndrome. Also called: Hereditary breast and ovarian cancer syndrome (HBOC); Breast and ovarian cancer; Hereditary breast and/or ovarian cancer syndrome; Hereditary breast and ovarian cancer; BRCA1- and BRCA2-Associated Hereditary Breast and Ovarian Cancer; Hereditary breast and ovarian cancer syndrome. Identifiers: Orphanet 145, MedGen C0677776, MeSH D061325, MONDO:0003582. Disease mechanism: loss of function.

Submission:

Women's Health and Genetics/Laboratory Corporation of America, LabCorp
Classification: Pathogenic for Hereditary breast ovarian cancer syndrome. Last evaluated: 2023-01-09. Review status: criteria provided, single submitter. Criteria: LabCorp Variant Classification Summary - May 2015. Collection method: clinical testing. Allele origin: germline.
Comment: Variant summary: BRCA2 c.6140dupA (p.Tyr2047X) results in a premature termination codon, predicted to cause a truncation of the encoded protein or absence of the protein due to nonsense mediated decay, which are commonly known mechanisms for disease. Truncations downstream of this position have been classified as pathogenic by our laboratory. Additionally, single nucleotide variants that result in nonsense change at the same amino-acid position have been classified as pathogenic in both ClinVar and our internal database. The variant was absent in 250964 control chromosomes. To our knowledge, no occurrence of c.6140dupA in individuals affected with Hereditary Breast And Ovarian Cancer Syndrome and no experimental evidence demonstrating its impact on protein function have been reported. No clinical diagnostic laboratories have submitted clinical-significance assessments for this variant to ClinVar after 2014. Based on the evidence outlined above, the variant was classified as pathogenic.